The following is an entry in ClinVar:

ClinVar aggregate classification (germline): Uncertain significance. Review status: criteria provided, multiple submitters, no conflicts (2 of 4 stars). 2 submissions from 2 submitters: Uncertain significance (2). Last evaluated 2023-11-27.

Conditions:
Inborn genetic diseases. Identifiers: MedGen C0950123, MeSH D030342.

Allele frequency attached by ClinVar (database versions not stated): gnomAD exomes below 0.00001 and 0.00001.
gnomAD v4.1: 11 of 1,614,208 alleles (0.00068%); highest among the groups gnomAD compares: Non-Finnish European, 0.00093%; no homozygotes.

Submissions (2):

Labcorp Genetics (formerly Invitae), Labcorp
Classification: Uncertain significance. Last evaluated: 2023-11-27. Review status: criteria provided, single submitter. Criteria: Invitae Variant Classification Sherloc (09022015). Collection method: clinical testing. Allele origin: germline.
Comment: This sequence change replaces methionine, which is neutral and non-polar, with valine, which is neutral and non-polar, at codon 333 of the TRPM1 protein (p.Met333Val). This variant is present in population databases (no rsID available, gnomAD 0.0009%). This variant has not been reported in the literature in individuals affected with TRPM1-related conditions. ClinVar contains an entry for this variant (Variation ID: 1045536). Advanced modeling of protein sequence and biophysical properties (such as structural, functional, and spatial information, amino acid conservation, physicochemical variation, residue mobility, and thermodynamic stability) performed at Invitae indicates that this missense variant is not expected to disrupt TRPM1 protein function with a negative predictive value of 95%. In summary, the available evidence is currently insufficient to determine the role of this variant in disease. Therefore, it has been classified as a Variant of Uncertain Significance.

Ambry Genetics
Classification: Uncertain significance for Inborn genetic diseases. Last evaluated: 2022-06-13. Review status: criteria provided, single submitter. Criteria: Ambry Variant Classification Scheme 2023. Collection method: clinical testing. Allele origin: germline.

NM_001252024.2(TRPM1):c.1063A>G (p.Met355Val)

Gene: TRPM1 (transient receptor potential cation channel subfamily M member 1; minus strand). Cytogenetic location: 15q13.3.
Variant type: single nucleotide variant.
Coding change: c.1063A>G on transcript NM_001252024.2 (MANE Select); coding-DNA position 1063, A replaced by G.
Protein change: p.Met355Val; replaces methionine 355 with valine.
Molecular consequence: missense variant.
Genome position (GRCh38, 1-based): chr15:31,062,605, T>C on the plus strand (A>G on the coding strand, the complement: TRPM1 is on the minus strand). VCF-style: chr15-31062605-T-C. GRCh37 (hg19) VCF-style: chr15-31354808-T-C.
Other names: c.1114A>G, p.Met372Val (NM_001252020.2); c.997A>G, p.Met333Val (NM_002420.6); c.997A>G (NM_002420.4); short protein forms M333V, M372V, M355V.
Identifiers: ClinVar variation 1045536 (VCV001045536.9), dbSNP rs1343068780, ClinGen allele CA391524874.
Genomic context (GRCh38, chr15:31,062,605, plus strand): 5'-AGAGCTTGTTTGGAAATAAATTCAAGACACTTACGAGTTCTTTCTTCTTCATGCACTCCA[T>C]TATAATTGCAAACAGCTGATGTGATTGTGCCTTATTATAATTAAATGTTTTCTGAATGGT-3'
Protein context (NP_001238953.1, residues 345-365): AQSHQLFAII[Met355Val]ECMKKKELVT